The following is an entry in ClinVar:

ClinVar aggregate classification (germline): Uncertain significance. Review status: criteria provided, multiple submitters, no conflicts (2 of 4 stars). 5 submissions from 5 submitters: Uncertain significance (4). 1 of the submissions does not count toward it. Last evaluated 2025-04-03.

Conditions:
Fanconi anemia (FA). Also called: Fanconi's anemia. Identifiers: Orphanet 84, MedGen C0015625, MeSH D005199, MONDO:0019391.
Hereditary cancer-predisposing syndrome. Also called: Tumor predisposition; Hereditary neoplastic syndrome; Neoplastic Syndromes, Hereditary; Hereditary Cancer Syndrome. Identifiers: Orphanet 140162, MedGen C0027672, MeSH D009386, MONDO:0015356.

Allele frequency attached by ClinVar (database versions not stated): gnomAD 0.00001; ExAC 0.00002; gnomAD exomes 0.00001 and below 0.00001; TOPMed 0.00001.
gnomAD v4.1: 10 of 1,613,340 alleles (0.00062%); highest among the groups gnomAD compares: East Asian, 0.0045%; no homozygotes.

Submissions (5):

Ambry Genetics
Classification: Uncertain significance for Hereditary cancer-predisposing syndrome. Last evaluated: 2025-04-03. Review status: criteria provided, single submitter. Criteria: Ambry Variant Classification Scheme 2023. Collection method: clinical testing. Allele origin: germline.
Comment: The p.R209C variant (also known as c.625C>T), located in coding exon 6 of the FANCC gene, results from a C to T substitution at nucleotide position 625. The arginine at codon 209 is replaced by cysteine, an amino acid with highly dissimilar properties. This amino acid position is poorly conserved in available vertebrate species. In addition, this alteration is predicted to be tolerated by in silico analysis. Since supporting evidence is limited at this time, the clinical significance of this alteration remains unclear.

Labcorp Genetics (formerly Invitae), Labcorp
Classification: Uncertain significance for Fanconi anemia. Last evaluated: 2024-12-06. Review status: criteria provided, single submitter. Criteria: Invitae Variant Classification Sherloc (09022015). Collection method: clinical testing. Allele origin: germline.
Comment: This sequence change replaces arginine, which is basic and polar, with cysteine, which is neutral and slightly polar, at codon 209 of the FANCC protein (p.Arg209Cys). This variant is present in population databases (rs373270404, gnomAD 0.007%). This variant has not been reported in the literature in individuals affected with FANCC-related conditions. ClinVar contains an entry for this variant (Variation ID: 418764). Invitae Evidence Modeling of protein sequence and biophysical properties (such as structural, functional, and spatial information, amino acid conservation, physicochemical variation, residue mobility, and thermodynamic stability) indicates that this missense variant is not expected to disrupt FANCC protein function with a negative predictive value of 80%. In summary, the available evidence is currently insufficient to determine the role of this variant in disease. Therefore, it has been classified as a Variant of Uncertain Significance.

Quest Diagnostics Nichols Institute San Juan Capistrano
Classification: Uncertain significance. Last evaluated: 2022-10-29. Review status: criteria provided, single submitter. Criteria: Quest Diagnostics criteria. Collection method: clinical testing. Allele origin: unknown.
Comment: The variant has not been reported in the published literature. The frequency of this variant in the general population, 0.000012 (3/250084 chromosomes), is uninformative in assessment of its pathogenicity. Analysis of this variant using bioinformatics tools for the prediction of the effect of amino acid changes on protein structure and function yielded predictions that this variant is benign. Based on the available information, we are unable to determine the clinical significance of this variant.

GeneDx
Classification: Uncertain significance. Last evaluated: 2021-06-09. Review status: criteria provided, single submitter. Criteria: GeneDx Variant Classification Process June 2021. Collection method: clinical testing. Allele origin: germline. Affected: yes.
Comment: Not observed at significant frequency in large population cohorts (Lek 2016); In silico analysis supports that this missense variant has a deleterious effect on protein structure/function; Has not been previously published as pathogenic or benign to our knowledge; This variant is associated with the following publications: (PMID: 27535533)

Natera, Inc.
Classification: Uncertain significance for Fanconi anemia. Last evaluated: 2019-05-20. Review status: no assertion criteria provided. Collection method: clinical testing. Allele origin: germline. Not counted in ClinVar's aggregate classification.

NM_000136.3(FANCC):c.625C>T (p.Arg209Cys)

Genes: AOPEP (aminopeptidase O (putative); plus strand), FANCC (FA complementation group C; minus strand). Cytogenetic location: 9q22.32.
Variant type: single nucleotide variant.
Coding change: c.625C>T on transcript NM_000136.3 (MANE Select); coding-DNA position 625, C replaced by T.
Protein change: p.Arg209Cys; replaces arginine 209 with cysteine.
Molecular consequence: missense variant.
Genome position (GRCh38, 1-based): chr9:95,149,984, G>A on the plus strand (C>T on the coding strand, the complement: FANCC is on the minus strand). VCF-style: chr9-95149984-G-A. GRCh37 (hg19) VCF-style: chr9-97912266-G-A.
Other names: c.625C>T, p.Arg209Cys (NM_001243743.2, NM_001243744.2); short protein forms R209C.
Identifiers: ClinVar variation 418764 (VCV000418764.14), dbSNP rs373270404, ClinGen allele CA5137681.